The following is an entry in ClinVar:

ClinVar aggregate classification (germline): Pathogenic (1 of 4 stars; one submission).

Conditions:
Majeed syndrome (MJDS). Also called: CHRONIC RECURRENT MULTIFOCAL OSTEOMYELITIS 1, WITH CONGENITAL DYSERYTHROPOIETIC ANEMIA, WITH OR WITHOUT NEUTROPHILIC DERMATOSIS; LPIN2-Related Majeed Syndrome. Identifiers: Orphanet 77297, MedGen C1864997, MONDO:0012316, OMIM 609628.

Submission:

Labcorp Genetics (formerly Invitae), Labcorp
Classification: Pathogenic for Majeed syndrome. Last evaluated: 2019-06-05. Review status: criteria provided, single submitter. Criteria: Invitae Variant Classification Sherloc (09022015). Collection method: clinical testing. Allele origin: germline.
Comment: This variant is an out-of-frame deletion of the genomic region encompassing exons 4-9 of the LPIN2 gene. This is expected to create a premature translational stop signal and result in an absent or disrupted protein product. This variant has not been reported in the literature in individuals with LPIN2-related conditions. Loss-of-function variants in LPIN2 are known to be pathogenic (PMID: 15994876, 23087183). For these reasons, this variant has been classified as Pathogenic.

Literature cited by the submitters: PubMed 15994876; PubMed 23087183.

NC_000018.10:g.(?_2931236)_(2951376_?)del

Gene: LPIN2 (lipin 2; minus strand). Cytogenetic location: 18p11.31.
Variant type: Deletion.
Identifiers: ClinVar variation 832615 (VCV000832615.6).